The following is an entry in ClinVar:

ClinVar aggregate classification (germline): Pathogenic (1 of 4 stars; one submission).

Conditions:
Bardet-Biedl syndrome (BBS). Identifiers: Orphanet 110, MedGen C0752166, MONDO:0015229.

Submission:

Labcorp Genetics (formerly Invitae), Labcorp
Classification: Pathogenic for Bardet-Biedl syndrome. Last evaluated: 2024-11-04. Review status: criteria provided, single submitter. Criteria: Invitae Variant Classification Sherloc (09022015). Collection method: clinical testing. Allele origin: germline.
Comment: This sequence change creates a premature translational stop signal (p.Asn352Argfs*24) in the BBS1 gene. It is expected to result in an absent or disrupted protein product. Loss-of-function variants in BBS1 are known to be pathogenic (PMID: 12118255, 21520335, 27032803). This variant is present in population databases (rs765388270, gnomAD 0.0009%). This variant has not been reported in the literature in individuals affected with BBS1-related conditions. For these reasons, this variant has been classified as Pathogenic.

Literature cited by the submitters: PubMed 12118255; PubMed 21520335; PubMed 27032803.

NM_024649.5(BBS1):c.1050_1054dup (p.Asn352fs)

Genes: BBS1 (Bardet-Biedl syndrome 1; plus strand), ZDHHC24 (zDHHC palmitoyltransferase 24; minus strand). Cytogenetic location: 11q13.2.
Variant type: Duplication.
Coding change: c.1050_1054dup on transcript NM_024649.5 (MANE Select); coding-DNA positions 1050 to 1054, 5 bases duplicated (GGCCA; older notation c.1050_1054dupGGCCA).
Protein change: p.Asn352fs; shifts the reading frame from asparagine 352.
Molecular consequence: frameshift variant. On other transcripts: intron variant (1).
Genome position (GRCh38, 1-based): chr11:66,523,822-66,523,826, GGCCA duplicated. VCF-style (leftmost placement, unchanged base first): chr11-66523821-T-TGGCCA. GRCh37 (hg19) VCF-style: chr11-66291292-T-TGGCCA.
Other names: c.*22-2360_*22-2356dup (NM_001348571.2); short protein forms N352fs.
Identifiers: ClinVar variation 3723408 (VCV003723408.2).